The following is an entry in ClinVar:

NM_130839.5(UBE3A):c.2521T>G (p.Phe841Val)

Genes: SNHG14 (small nucleolar RNA host gene 14; plus strand), UBE3A (ubiquitin protein ligase E3A; minus strand). Cytogenetic location: 15q11.2.
Variant type: single nucleotide variant.
Coding change: c.2521T>G on transcript NM_130839.5 (MANE Select); coding-DNA position 2521, T replaced by G.
Protein change: p.Phe841Val; replaces phenylalanine 841 with valine.
Molecular consequence: missense variant. On other transcripts: non-coding transcript variant (1).
Genome position (GRCh38, 1-based): chr15:25,339,235, A>C on the plus strand (T>G on the coding strand, the complement: UBE3A is on the minus strand). VCF-style: chr15-25339235-A-C. GRCh37 (hg19) VCF-style: chr15-25584382-A-C.
Other names: c.2530T>G, p.Phe844Val (NM_000462.5); c.2521T>G, p.Phe841Val (NM_001354505.1, NM_001354538.2); c.2461T>G, p.Phe821Val (NM_001354506.2, NM_001354507.2, NM_001354508.2 and 14 more transcripts); c.2365T>G, p.Phe789Val (NM_001354545.2); c.2344T>G, p.Phe782Val (NM_001354546.2); c.2305T>G, p.Phe769Val (NM_001354547.2, NM_001354548.2); c.2296T>G, p.Phe766Val (NM_001354549.2); c.1270T>G, p.Phe424Val (NM_001354550.2); and 1 more; short protein forms F424V, F766V, F789V, F841V, F769V, F782V, F821V, F844V.
Identifiers: ClinVar variation 2759552 (VCV002759552.3), dbSNP rs2552181701, ClinGen allele CA391350687.

ClinVar aggregate classification (germline): Uncertain significance (1 of 4 stars; one submission).

Conditions:
Angelman syndrome (AS). Also called: HAPPY PUPPET SYNDROME. Identifiers: Orphanet 72, MedGen C0162635, MONDO:0007113, OMIM 105830. Disease mechanism: loss of function. Inheritance: imprinting disorder, AS is caused by disruption of maternally imprinted UBE3A located within the 15q11.2-q13 Angelman syndrome/Prader-Willi syndrome (AS/PWS) region..

Submission:

Labcorp Genetics (formerly Invitae), Labcorp
Classification: Uncertain significance for Angelman syndrome. Last evaluated: 2023-09-10. Review status: criteria provided, single submitter. Criteria: Invitae Variant Classification Sherloc (09022015). Collection method: clinical testing. Allele origin: germline.
Comment: This variant is not present in population databases (gnomAD no frequency). This sequence change replaces phenylalanine, which is neutral and non-polar, with valine, which is neutral and non-polar, at codon 821 of the UBE3A protein (p.Phe821Val). This variant has not been reported in the literature in individuals affected with UBE3A-related conditions. Advanced modeling of protein sequence and biophysical properties (such as structural, functional, and spatial information, amino acid conservation, physicochemical variation, residue mobility, and thermodynamic stability) performed at Invitae indicates that this missense variant is expected to disrupt UBE3A protein function. In summary, the available evidence is currently insufficient to determine the role of this variant in disease. Therefore, it has been classified as a Variant of Uncertain Significance.